The following is an entry in ClinVar:

NM_000376.3(VDR):c.156G>T (p.Met52Ile)

Gene: VDR (vitamin D receptor; minus strand). Cytogenetic location: 12q13.11.
Variant type: single nucleotide variant.
Coding change: c.156G>T on transcript NM_000376.3 (MANE Select); coding-DNA position 156, G replaced by T.
Protein change: p.Met52Ile; replaces methionine 52 with isoleucine.
Molecular consequence: missense variant.
Genome position (GRCh38, 1-based): chr12:47,865,168, C>A on the plus strand (G>T on the coding strand, the complement: VDR is on the minus strand). VCF-style: chr12-47865168-C-A. GRCh37 (hg19) VCF-style: chr12-48258951-C-A.
Other names: c.156G>T, p.Met52Ile (NM_001017535.2, NM_001364085.2, NM_001374661.1 and 1 more transcripts); c.306G>T, p.Met102Ile (NM_001017536.2); short protein forms M102I, M52I.
Identifiers: ClinVar variation 1193364 (VCV001193364.9), dbSNP rs200041268, ClinGen allele CA6534014.

ClinVar aggregate classification (germline): Conflicting classifications of pathogenicity. Review status: criteria provided, conflicting classifications (1 of 4 stars). 6 submissions from 6 submitters: Uncertain significance (4); Likely benign (1). 1 of the submissions does not count toward it. Last evaluated 2024-11-07.

Conditions:
Inborn genetic diseases. Identifiers: MedGen C0950123, MeSH D030342.
Vitamin D-dependent rickets type II with alopecia (VDDR2A). Also called: Vitamin D-dependent rickets, type 2A; GENERALIZED RESISTANCE TO 1,25-DIHYDROXYVITAMIN D; HYPOCALCEMIC VITAMIN D-RESISTANT RICKETS; PDDR IIA; PSEUDOVITAMIN D-DEFICIENCY, TYPE IIA; RICKETS, HEREDITARY VITAMIN D-RESISTANT. Identifiers: Orphanet 93160, MedGen C0342646, MONDO:0010186, OMIM 277440.

Allele frequency attached by ClinVar (database versions not stated): gnomAD exomes 0.00002 and 0.00008; TOPMed 0.00006; ExAC 0.00008; gnomAD 0.00009; 1000 Genomes Project 30x 0.00016; 1000 Genomes Project 0.00020.
gnomAD v4.1: 87 of 1,612,246 alleles (0.0054%); highest among the groups gnomAD compares: East Asian, 0.045%; 2 homozygotes.

Submissions (6):

Blueprint Genetics
Classification: Uncertain significance. Last evaluated: 2024-11-07. Review status: criteria provided, single submitter. Criteria: ACMG Guidelines, 2015. Collection method: clinical testing. Allele origin: germline.

Fulgent Genetics
Classification: Uncertain significance for Vitamin D-dependent rickets type II with alopecia. Last evaluated: 2024-03-20. Review status: criteria provided, single submitter. Criteria: ACMG Guidelines, 2015. Collection method: clinical testing. Allele origin: germline.

Labcorp Genetics (formerly Invitae), Labcorp
Classification: Uncertain significance. Last evaluated: 2022-07-31. Review status: criteria provided, single submitter. Criteria: Invitae Variant Classification Sherloc (09022015). Collection method: clinical testing. Allele origin: germline.
Comment: This sequence change replaces methionine, which is neutral and non-polar, with isoleucine, which is neutral and non-polar, at codon 52 of the VDR protein (p.Met52Ile). This variant is present in population databases (rs200041268, gnomAD 0.08%). This variant has not been reported in the literature in individuals affected with VDR-related conditions. ClinVar contains an entry for this variant (Variation ID: 1193364). Algorithms developed to predict the effect of missense changes on protein structure and function are either unavailable or do not agree on the potential impact of this missense change (SIFT: "Deleterious"; PolyPhen-2: "Benign"; Align-GVGD: "Class C0"). In summary, the available evidence is currently insufficient to determine the role of this variant in disease. Therefore, it has been classified as a Variant of Uncertain Significance.

Ambry Genetics
Classification: Uncertain significance for Inborn genetic diseases. Last evaluated: 2022-01-12. Review status: criteria provided, single submitter. Criteria: Ambry Variant Classification Scheme 2023. Collection method: clinical testing. Allele origin: germline.

GeneDx
Classification: Likely benign. Last evaluated: 2021-02-11. Review status: criteria provided, single submitter. Criteria: GeneDx Variant Classification Process June 2021. Collection method: clinical testing. Allele origin: germline. Affected: yes.
Comment: In silico analysis supports that this missense variant does not alter protein structure/function; This variant is associated with the following publications: (PMID: 32381728)

Molecular Genetics Laboratory, Biobizkaia Health Research Institute
Classification: Uncertain significance for Vitamin D-dependent rickets type II with alopecia. Last evaluated: 2024-03-08. Review status: no assertion criteria provided. Collection method: clinical testing. Allele origin: germline. Not counted in ClinVar's aggregate classification.